The following is an entry in ClinVar:

ClinVar aggregate classification (germline): Uncertain significance (1 of 4 stars; one submission).

Allele frequency attached by ClinVar (database versions not stated): ExAC 0.00001.
gnomAD v4.1: 3 of 1,614,072 alleles (0.00019%); highest among the groups gnomAD compares: South Asian, 0.0033%; no homozygotes.

Submission:

Labcorp Genetics (formerly Invitae), Labcorp
Classification: Uncertain significance. Last evaluated: 2024-06-17. Review status: criteria provided, single submitter. Criteria: Invitae Variant Classification Sherloc (09022015). Collection method: clinical testing. Allele origin: germline.
Comment: This sequence change replaces alanine, which is neutral and non-polar, with glycine, which is neutral and non-polar, at codon 707 of the SLCO5A1 protein (p.Ala707Gly). This variant is present in population databases (rs768749822, gnomAD 0.003%). This variant has not been reported in the literature in individuals affected with SLCO5A1-related conditions. An algorithm developed to predict the effect of missense changes on protein structure and function (PolyPhen-2) suggests that this variant is likely to be disruptive. In summary, the available evidence is currently insufficient to determine the role of this variant in disease. Therefore, it has been classified as a Variant of Uncertain Significance.

NM_030958.3(SLCO5A1):c.2120C>G (p.Ala707Gly)

Gene: SLCO5A1 (solute carrier organic anion transporter family member 5A1; minus strand). Cytogenetic location: 8q13.3.
Variant type: single nucleotide variant.
Coding change: c.2120C>G on transcript NM_030958.3 (MANE Select); coding-DNA position 2120, C replaced by G.
Protein change: p.Ala707Gly; replaces alanine 707 with glycine.
Molecular consequence: missense variant.
Genome position (GRCh38, 1-based): chr8:69,673,296, G>C on the plus strand (C>G on the coding strand, the complement: SLCO5A1 is on the minus strand). VCF-style: chr8-69673296-G-C. GRCh37 (hg19) VCF-style: chr8-70585531-G-C.
Other names: c.2055C>G, p.Ser685Arg (NM_001146008.2); c.1955C>G, p.Ala652Gly (NM_001146009.1); short protein forms S685R, A652G, A707G.
Identifiers: ClinVar variation 2724052 (VCV002724052.3), dbSNP rs768749822, ClinGen allele CA4776402.